The following is an entry in ClinVar:

NM_012200.4(B3GAT3):c.298_301del (p.Leu100fs)

Gene: B3GAT3 (beta-1,3-glucuronyltransferase 3; minus strand). Cytogenetic location: 11q12.3.
Variant type: Deletion.
Coding change: c.298_301del on transcript NM_012200.4 (MANE Select); coding-DNA positions 298 to 301, 4 bases deleted (CTGA; older notation c.298_301delCTGA).
Protein change: p.Leu100fs; shifts the reading frame from leucine 100.
Molecular consequence: frameshift variant. On other transcripts: non-coding transcript variant (1).
Genome position (GRCh38, 1-based): chr11:62,617,304-62,617,307, TCAG deleted on the plus strand (CTGA on the coding strand, the reverse complement: B3GAT3 is on the minus strand); deleting any 4 consecutive bases within chr11:62,617,304-62,617,308 gives the same sequence; the c. name uses the placement nearest the transcript's 3' end. VCF-style (leftmost placement, unchanged base first): chr11-62617303-CTCAG-C. GRCh37 (hg19) VCF-style: chr11-62384775-CTCAG-C.
Other names: c.277_280del, p.Leu93fs (NM_001288721.2); c.298_301del, p.Leu100fs (NM_001288722.2, NM_001288723.2); short protein forms L93fs, L100fs.
Identifiers: ClinVar variation 2996858 (VCV002996858.3), dbSNP rs1447702013, ClinGen allele CA679043875.

ClinVar aggregate classification (germline): Pathogenic (1 of 4 stars; one submission).

Conditions:
Larsen-like syndrome, B3GAT3 type. Also called: MULTIPLE JOINT DISLOCATIONS, SHORT STATURE, AND CRANIOFACIAL DYSMORPHISM WITH OR WITHOUT CONGENITAL HEART DEFECTS; Multiple joint dislocations, short stature, craniofacial dysmorphism, with or without congenital heart defects. Identifiers: Orphanet 284139, MedGen CN034159, MONDO:0009511, OMIM 245600.

Submission:

Labcorp Genetics (formerly Invitae), Labcorp
Classification: Pathogenic for Larsen-like syndrome, B3GAT3 type. Last evaluated: 2024-06-08. Review status: criteria provided, single submitter. Criteria: Invitae Variant Classification Sherloc (09022015). Collection method: clinical testing. Allele origin: germline.
Comment: This sequence change creates a premature translational stop signal (p.Leu100Alafs*136) in the B3GAT3 gene. It is expected to result in an absent or disrupted protein product. Loss-of-function variants in B3GAT3 are known to be pathogenic (PMID: 25893793, 27871226). This variant is not present in population databases (gnomAD no frequency). This variant has not been reported in the literature in individuals affected with B3GAT3-related conditions. For these reasons, this variant has been classified as Pathogenic.

Literature cited by the submitters: PubMed 25893793; PubMed 27871226.